The following is an entry in ClinVar:

ClinVar aggregate classification (germline): Pathogenic (1 of 4 stars; one submission).

Conditions:
Fanconi anemia (FA). Also called: Fanconi's anemia. Identifiers: Orphanet 84, MedGen C0015625, MeSH D005199, MONDO:0019391.

Submission:

Labcorp Genetics (formerly Invitae), Labcorp
Classification: Pathogenic for Fanconi anemia. Last evaluated: 2022-12-31. Review status: criteria provided, single submitter. Criteria: Invitae Variant Classification Sherloc (09022015). Collection method: clinical testing. Allele origin: unknown.
Comment: For these reasons, this variant has been classified as Pathogenic. This variant has not been reported in the literature in individuals affected with FANCA-related conditions. This variant is a gross deletion of the genomic region encompassing exon(s) 28-40 of the FANCA gene. This deletion is out-of-frame, and is expected to create a premature termination codon and result in an absent or disrupted protein product. Loss-of-function variants in FANCA are known to be pathogenic (PMID: 19367192).

Literature cited by the submitters: PubMed 19367192.

NC_000016.9:g.(?_89805866)_(89831494_?)del

Genes: FANCA (FA complementation group A; minus strand), ZNF276 (zinc finger protein 276; plus strand). Cytogenetic location: 16q24.3.
Variant type: Deletion.
Identifiers: ClinVar variation 3243262 (VCV003243262.1).